The following is an entry in ClinVar:

NM_014140.4(SMARCAL1):c.1974del (p.Gln658fs)

Gene: SMARCAL1 (SNF2 related chromatin remodeling annealing helicase 1; plus strand). Cytogenetic location: 2q35.
Variant type: Deletion.
Coding change: c.1974del on transcript NM_014140.4 (MANE Select); coding-DNA position 1974, one base deleted (G; older notation c.1974delG).
Protein change: p.Gln658fs; shifts the reading frame from glutamine 658.
Molecular consequence: frameshift variant.
Genome position (GRCh38, 1-based): chr2:216,450,968, G deleted. VCF-style (leftmost placement, unchanged base first): chr2-216450967-AG-A. GRCh37 (hg19) VCF-style: chr2-217315690-AG-A.
Other names: c.1974del, p.Gln658fs (NM_001127207.2); c.1974delG, p.Gln658Hisfs (NM_014140.3); short protein forms Q658fs.
Identifiers: ClinVar variation 4815597 (VCV004815597.1).

ClinVar aggregate classification (germline): Likely pathogenic (1 of 4 stars; one submission).

Conditions:
Schimke immuno-osseous dysplasia (SIOD). Also called: Schimke Immunoosseous Dysplasia. Identifiers: Orphanet 1830, MedGen C0877024, MONDO:0009458, OMIM 242900.

Submission:

Natera, Inc.
Classification: Likely pathogenic for Schimke immuno-osseous dysplasia. Last evaluated: 2024-07-01. Review status: criteria provided, single submitter. Criteria: Natera Variant Classification Schema (03/2026). Collection method: clinical testing. Allele origin: germline.
Comment: The c.1974del variant in SMARCAL1 is a frameshift variant predicted to shift the reading frame beginning at codon 658 and leads to a stop codon 4 codons downstream. This variant is expected to result in nonsense mediated decay, truncation, or a dysfunctional protein product. This variant is rare in the general population with a frequency below the threshold expected for the associated phenotype(s). Given the available evidence, this variant is classified as Likely Pathogenic.